The following is an entry in ClinVar:

NM_000107.3(DDB2):c.*77C>T

Gene: DDB2 (damage specific DNA binding protein 2; plus strand). Cytogenetic location: 11p11.2.
Variant type: single nucleotide variant.
Coding change: c.*77C>T on transcript NM_000107.3 (MANE Select); 77 bases downstream of the stop codon, C replaced by T.
Molecular consequence: 3 prime UTR variant.
Genome position (GRCh38, 1-based): chr11:47,238,926, C>T. VCF-style: chr11-47238926-C-T. GRCh37 (hg19) VCF-style: chr11-47260477-C-T.
Other names: c.*77C>T (NM_001300734.2).
Identifiers: ClinVar variation 304930 (VCV000304930.9), dbSNP rs1050244, ClinGen allele CA10639289.

ClinVar aggregate classification (germline): Benign. Review status: criteria provided, multiple submitters, no conflicts (2 of 4 stars). 3 submissions from 3 submitters: Benign (3). Last evaluated 2019-02-28.

Conditions:
Xeroderma pigmentosum, group E (XPE). Also called: Xeroderma pigmentosum, complementation group E; Xeroderma pigmentosum, group E, DDB-negative subtype; XERODERMA PIGMENTOSUM V; XP, GROUP E; DDB2-Related Xeroderma Pigmentosum; Xeroderma pigmentosum, complementation group E, DDB-negative form. Identifiers: Orphanet 910, MedGen C1848411, MONDO:0010213, OMIM 278740.

Allele frequency attached by ClinVar (database versions not stated): TOPMed 0.02892; gnomAD 0.03171 and 0.03421; ESP Exome Variant Server 0.03373; 1000 Genomes Project 30x 0.04716; 1000 Genomes Project 0.04892.
gnomAD v4.1: 61,033 of 1,531,978 alleles (4%); highest among the groups gnomAD compares: South Asian, 11%; 1,636 homozygotes.

Submissions (3):

GeneDx
Classification: Benign. Last evaluated: 2019-02-28. Review status: criteria provided, single submitter. Criteria: GeneDx Variant Classification Process June 2021. Collection method: clinical testing. Allele origin: germline. Affected: yes.

Illumina Laboratory Services, Illumina
Classification: Benign for Xeroderma pigmentosum, group E. Last evaluated: 2018-01-13. Review status: criteria provided, single submitter. Criteria: ICSL Variant Classification Criteria 13 December 2019. Collection method: clinical testing. Allele origin: germline.
Comment: This variant was observed in the ICSL laboratory as part of a predisposition screen in an ostensibly healthy population. It had not been previously curated by ICSL or reported in the Human Gene Mutation Database (HGMD: prior to June 1st, 2018), and was therefore a candidate for classification through an automated scoring system. Utilizing variant allele frequency, disease prevalence and penetrance estimates, and inheritance mode, an automated score was calculated to assess if this variant is too frequent to cause the disease. Based on the score and internal cut-off values, a variant classified as benign is not then subjected to further curation. The score for this variant resulted in a classification of benign for this disease.

Breakthrough Genomics
Classification: Benign. Review status: criteria provided, single submitter. Criteria: ACMG Guidelines, 2015. Collection method: not provided. Allele origin: germline. Inheritance: Autosomal recessive inheritance. Affected: yes.